The following is an entry in ClinVar:

NM_000051.4(ATM):c.3880A>G (p.Ile1294Val)

Gene: ATM (ATM serine/threonine kinase; plus strand). Cytogenetic location: 11q22.3.
Variant type: single nucleotide variant.
Coding change: c.3880A>G on transcript NM_000051.4 (MANE Select); coding-DNA position 3880, A replaced by G.
Protein change: p.Ile1294Val; replaces isoleucine 1294 with valine.
Molecular consequence: missense variant.
Genome position (GRCh38, 1-based): chr11:108,284,360, A>G. VCF-style: chr11-108284360-A-G. GRCh37 (hg19) VCF-style: chr11-108155087-A-G.
Other names: c.3880A>G, p.Ile1294Val (NM_001351834.2); short protein forms I1294V.
Identifiers: ClinVar variation 923212 (VCV000923212.8), dbSNP rs1478504213, ClinGen allele CA382525422.
Genomic context (GRCh38, chr11:108,284,360, plus strand): 5'-CAGATTCAAGAGGACTGGAAAAGTCTTCTAACAGACTGCTTTCCAAAGATTCTTGTAAAT[A>G]TTCTTCCTTATTTTGCCTATGAGGGTACCAGAGACAGTGGGATGGCACAGCAAAGAGAGA-3'
Protein context (NP_000042.3, residues 1284-1304): TDCFPKILVN[Ile1294Val]LPYFAYEGTR

ClinVar aggregate classification (germline): Uncertain significance. Review status: criteria provided, multiple submitters, no conflicts (2 of 4 stars). 3 submissions from 3 submitters: Uncertain significance (3). Last evaluated 2024-11-17.

Conditions:
Hereditary cancer-predisposing syndrome. Also called: Hereditary Cancer Syndrome; Hereditary neoplastic syndrome; Neoplastic Syndromes, Hereditary; Tumor predisposition. Identifiers: Orphanet 140162, MedGen C0027672, MeSH D009386, MONDO:0015356.
Ataxia-telangiectasia syndrome (AT). Also called: Ataxia-telangiectasia, complementation group E; LOUIS-BAR SYNDROME; Cerebello-oculocutaneous telangiectasia; Immunodeficiency with ataxia telangiectasia; Ataxia-telangiectasia, complementation group D; AT, COMPLEMENTATION GROUP C. Identifiers: Orphanet 100, MedGen C0004135, MONDO:0008840, OMIM 208900.

Submissions (3):

Ambry Genetics
Classification: Uncertain significance for Hereditary cancer-predisposing syndrome. Last evaluated: 2024-11-17. Review status: criteria provided, single submitter. Criteria: Ambry Variant Classification Scheme 2023. Collection method: clinical testing. Allele origin: germline.
Comment: The p.I1294V variant (also known as c.3880A>G), located in coding exon 25 of the ATM gene, results from an A to G substitution at nucleotide position 3880. The isoleucine at codon 1294 is replaced by valine, an amino acid with highly similar properties. This amino acid position is conserved. In addition, the in silico prediction for this alteration is inconclusive. Based on the available evidence, the clinical significance of this variant remains unclear.

Color Diagnostics, LLC DBA Color Health
Classification: Uncertain significance for Hereditary cancer-predisposing syndrome. Last evaluated: 2023-12-05. Review status: criteria provided, single submitter. Criteria: ACMG Guidelines, 2015. Collection method: clinical testing. Allele origin: germline.
Comment: This missense variant replaces isoleucine with valine at codon 1294 of the ATM protein. Computational prediction suggests that this variant may not impact protein structure and function (internally defined REVEL score threshold <= 0.5, PMID: 27666373). To our knowledge, functional studies have not been reported for this variant. This variant has not been reported in individuals affected with ATM-related disorders in the literature. This variant has not been identified in the general population by the Genome Aggregation Database (gnomAD). The available evidence is insufficient to determine the role of this variant in disease conclusively. Therefore, this variant is classified as a Variant of Uncertain Significance.

Labcorp Genetics (formerly Invitae), Labcorp
Classification: Uncertain significance for Ataxia-telangiectasia syndrome. Last evaluated: 2023-01-10. Review status: criteria provided, single submitter. Criteria: Invitae Variant Classification Sherloc (09022015). Collection method: clinical testing. Allele origin: germline.
Comment: Algorithms developed to predict the effect of missense changes on protein structure and function (SIFT, PolyPhen-2, Align-GVGD) all suggest that this variant is likely to be tolerated. In summary, the available evidence is currently insufficient to determine the role of this variant in disease. Therefore, it has been classified as a Variant of Uncertain Significance. ClinVar contains an entry for this variant (Variation ID: 923212). This sequence change replaces isoleucine, which is neutral and non-polar, with valine, which is neutral and non-polar, at codon 1294 of the ATM protein (p.Ile1294Val). This variant is not present in population databases (gnomAD no frequency). This variant has not been reported in the literature in individuals affected with ATM-related conditions.